The following is an entry in ClinVar:

NM_000297.4(PKD2):c.1005G>C (p.Gln335His)

Gene: PKD2 (polycystin 2, transient receptor potential cation channel; plus strand). Cytogenetic location: 4q22.1.
Variant type: single nucleotide variant.
Coding change: c.1005G>C on transcript NM_000297.4 (MANE Select); coding-DNA position 1005, G replaced by C.
Protein change: p.Gln335His; replaces glutamine 335 with histidine.
Molecular consequence: missense variant. On other transcripts: non-coding transcript variant (1).
Genome position (GRCh38, 1-based): chr4:88,038,412, G>C. VCF-style: chr4-88038412-G-C. GRCh37 (hg19) VCF-style: chr4-88959564-G-C.
Other names: c.1005G>C, p.Gln335His (NM_001440544.1); short protein forms Q335H.
Identifiers: ClinVar variation 4861977 (VCV004861977.1).

ClinVar aggregate classification (germline): Uncertain significance (1 of 4 stars; one submission).

Conditions:
Inborn genetic diseases. Identifiers: MedGen C0950123, MeSH D030342.

gnomAD v4.1: 1 of 1,613,632 alleles (0.000062%); highest among the groups gnomAD compares: Non-Finnish European, 0.000085%; no homozygotes.

Submission:

Ambry Genetics
Classification: Uncertain significance for Inborn genetic diseases. Last evaluated: 2026-03-19. Review status: criteria provided, single submitter. Criteria: Ambry Variant Classification Scheme 2023. Collection method: clinical testing. Allele origin: germline.
Comment: The c.1005G>C (p.Q335H) alteration is located in exon 4 (coding exon 4) of the PKD2 gene. This alteration results from a G to C substitution at nucleotide position 1005, causing the glutamine (Q) at amino acid position 335 to be replaced by a histidine (H). Based on data from gnomAD, the C allele has an overall frequency of <0.001% (1/251164) total alleles studied. The highest observed frequency was 0.001% (1/113514) of European (non-Finnish) alleles. Based on insufficient or conflicting evidence, the clinical significance of this alteration remains unclear.